The following is an entry in ClinVar:

NM_001127511.3(APC):c.94A>G (p.Ser32Gly)

Gene: APC (APC regulator of Wnt signaling pathway; plus strand). Cytogenetic location: 5q22.2.
Variant type: single nucleotide variant.
Coding change: c.94A>G on transcript NM_001127511.3; coding-DNA position 94, A replaced by G.
Protein change: p.Ser32Gly; replaces serine 32 with glycine.
Molecular consequence: missense variant. On other transcripts: 5 prime UTR variant (8), non-coding transcript variant (1), intron variant (5).
Genome position (GRCh38, 1-based): chr5:112,707,811, A>G. VCF-style: chr5-112707811-A-G. GRCh37 (hg19) VCF-style: chr5-112043508-A-G.
Other names: c.-90A>G (NM_001354895.2, NM_001407447.1, NM_001407452.1 and 3 more transcripts); c.94A>G, p.Ser32Gly (NM_001354897.2, NM_001354902.2, NM_001407446.1); c.-1125A>G (NM_001407470.1, NM_001407472.1); c.-19+162A>G (NM_001407448.1, NM_001407450.1, NM_001407457.1 and 1 more transcripts); c.-43+162A>G (NM_001407453.1); short protein forms S32G.
Identifiers: ClinVar variation 3653968 (VCV003653968.2).
Genomic context (GRCh38, chr5:112,707,811, plus strand): 5'-CCTTTGCCCGCTTCTGTACCACCCTCAGTTCTCGGGTCCTGGAGCACCGGCGGCAGCAGG[A>G]GCTGCGTCCGGCAGGAGACGAAGAGCCCGGGCGGCGCTCGTACTTCTGGCCACTGGGCGA-3'

ClinVar aggregate classification (germline): Uncertain significance (1 of 4 stars; one submission).

Conditions:
Familial adenomatous polyposis 1 (FAP1). Also called: FAMILIAL ADENOMATOUS POLYPOSIS 1, ATTENUATED; POLYPOSIS, ADENOMATOUS INTESTINAL. Identifiers: MedGen C2713442, MONDO:0021056, OMIM 175100. Disease mechanism: loss of function.

Submission:

Labcorp Genetics (formerly Invitae), Labcorp
Classification: Uncertain significance for Familial adenomatous polyposis 1. Last evaluated: 2024-05-21. Review status: criteria provided, single submitter. Criteria: Invitae Variant Classification Sherloc (09022015). Collection method: clinical testing. Allele origin: germline.
Comment: This variant occurs in a non-coding region of the APC gene. It does not change the encoded amino acid sequence of the APC protein. This variant is not present in population databases (gnomAD no frequency). This variant has not been reported in the literature in individuals affected with APC-related conditions. Experimental studies and prediction algorithms are not available or were not evaluated, and the functional significance of this variant is currently unknown. In summary, the available evidence is currently insufficient to determine the role of this variant in disease. Therefore, it has been classified as a Variant of Uncertain Significance.